The following is an entry in ClinVar:

ClinVar aggregate classification (germline): Uncertain significance (1 of 4 stars; one submission).

Allele frequency attached by ClinVar (database versions not stated): gnomAD exomes below 0.00001; ExAC 0.00001.
gnomAD v4.1: 2 of 1,613,498 alleles (0.00012%); highest among the groups gnomAD compares: Admixed American, 0.0033%; no homozygotes.

Submission:

Labcorp Genetics (formerly Invitae), Labcorp
Classification: Uncertain significance. Last evaluated: 2022-07-12. Review status: criteria provided, single submitter. Criteria: Invitae Variant Classification Sherloc (09022015). Collection method: clinical testing. Allele origin: germline.
Comment: This sequence change replaces serine, which is neutral and polar, with cysteine, which is neutral and slightly polar, at codon 1471 of the PTPN23 protein (p.Ser1471Cys). This variant is present in population databases (rs779654845, gnomAD 0.003%). This variant has not been reported in the literature in individuals affected with PTPN23-related conditions. ClinVar contains an entry for this variant (Variation ID: 1504476). Algorithms developed to predict the effect of missense changes on protein structure and function are either unavailable or do not agree on the potential impact of this missense change (SIFT: "Tolerated"; PolyPhen-2: "Probably Damaging"; Align-GVGD: "Class C0"). In summary, the available evidence is currently insufficient to determine the role of this variant in disease. Therefore, it has been classified as a Variant of Uncertain Significance.

NM_015466.4(PTPN23):c.4411A>T (p.Ser1471Cys)

Gene: PTPN23 (protein tyrosine phosphatase non-receptor type 23; plus strand). Cytogenetic location: 3p21.31.
Variant type: single nucleotide variant.
Coding change: c.4411A>T on transcript NM_015466.4 (MANE Select); coding-DNA position 4411, A replaced by T.
Protein change: p.Ser1471Cys; replaces serine 1471 with cysteine.
Molecular consequence: missense variant.
Genome position (GRCh38, 1-based): chr3:47,412,607, A>T. VCF-style: chr3-47412607-A-T. GRCh37 (hg19) VCF-style: chr3-47454097-A-T.
Other names: c.4033A>T, p.Ser1345Cys (NM_001304482.2); short protein forms S1471C, S1345C.
Identifiers: ClinVar variation 1504476 (VCV001504476.5), dbSNP rs779654845, ClinGen allele CA2366586.